The following is an entry in ClinVar:

NM_000179.3(MSH6):c.2991del (p.Lys997fs)

Gene: MSH6 (mutS homolog 6; plus strand). Cytogenetic location: 2p16.3.
Variant type: Deletion.
Coding change: c.2991del on transcript NM_000179.3 (MANE Select); coding-DNA position 2991, one base deleted (A; older notation c.2991delA).
Protein change: p.Lys997fs; shifts the reading frame from lysine 997.
Molecular consequence: frameshift variant.
Genome position (GRCh38, 1-based): chr2:47,800,974, A deleted; the last of 3 consecutive A bases (chr2:47,800,972-47,800,974); deleting any one gives the same sequence. VCF-style (leftmost placement, unchanged base first): chr2-47800971-GA-G. GRCh37 (hg19) VCF-style: chr2-48028110-GA-G.
Other names: c.2601del, p.Lys867fs (NM_001281492.2); c.2085del, p.Lys695fs (NM_001281493.2, NM_001281494.2); c.2991delA (NM_000179.2, NM_000179.3); short protein forms K695fs, K997fs, K867fs.
Identifiers: ClinVar variation 410418 (VCV000410418.16), dbSNP rs1060502890, ClinGen allele CA16611018.

ClinVar aggregate classification (germline): Pathogenic. Review status: criteria provided, multiple submitters, no conflicts (2 of 4 stars). 4 submissions from 4 submitters: Pathogenic (4). Last evaluated 2025-03-21.

Conditions:
Hereditary cancer-predisposing syndrome. Also called: Tumor predisposition; Hereditary Cancer Syndrome; Hereditary neoplastic syndrome; Neoplastic Syndromes, Hereditary. Identifiers: Orphanet 140162, MedGen C0027672, MeSH D009386, MONDO:0015356.
Hereditary nonpolyposis colorectal neoplasms. Identifiers: MedGen C0009405, MeSH D003123.
Lynch syndrome 5 (LYNCH5). Also called: Hereditary non-polyposis colorectal cancer, type 5; Colorectal cancer, hereditary nonpolyposis, type 5. Identifiers: Orphanet 144, MedGen C1833477, MONDO:0013710, OMIM 614350. Disease mechanism: loss of function.
Hereditary nonpolyposis colon cancer (HNPCC). Also called: Hereditary nonpolyposis colorectal cancer; Familial nonpolyposis colon cancer; Hereditary Nonpolyposis Colorectal Cancer Syndrome. Identifiers: Orphanet 443909, MedGen C1333990, MONDO:0018630. Disease mechanism: loss of function.

Submissions (4):

Women's Health and Genetics/Laboratory Corporation of America, LabCorp
Classification: Pathogenic for Hereditary nonpolyposis colon cancer. Last evaluated: 2025-03-21. Review status: criteria provided, single submitter. Criteria: LabCorp Variant Classification Summary - May 2015. Collection method: clinical testing. Allele origin: germline.
Comment: Variant summary: MSH6 c.2991delA (p.Lys997AsnfsX23) results in a premature termination codon, predicted to cause a truncation of the encoded protein or absence of the protein due to nonsense mediated decay, which are commonly known mechanisms for disease. The frequency data for this variant in gnomAD is considered unreliable, as metrics indicate poor data quality at this position. To our knowledge, no occurrence of c.2991delA in individuals affected with Lynch Syndrome and no experimental evidence demonstrating its impact on protein function have been reported. ClinVar contains an entry for this variant (Variation ID: 410418). Based on the evidence outlined above, the variant was classified as pathogenic.

Myriad Genetics, Inc.
Classification: Pathogenic for Lynch syndrome 5. Last evaluated: 2023-08-21. Review status: criteria provided, single submitter. Criteria: Myriad Autosomal Dominant, Autosomal Recessive and X-Linked Classification Criteria (2023). Collection method: clinical testing. Allele origin: unknown.
Comment: This variant is considered pathogenic. This variant creates a frameshift predicted to result in premature protein truncation.

Ambry Genetics
Classification: Pathogenic for Hereditary cancer-predisposing syndrome. Last evaluated: 2019-05-14. Review status: criteria provided, single submitter. Criteria: Ambry Variant Classification Scheme 2023. Collection method: clinical testing. Allele origin: germline.
Comment: The c.2991delA pathogenic mutation, located in coding exon 4 of the MSH6 gene, results from a deletion of one nucleotide at nucleotide position 2991, causing a translational frameshift with a predicted alternate stop codon (p.K997Nfs*23). This alteration is expected to result in loss of function by premature protein truncation or nonsense-mediated mRNA decay. As such, this alteration is interpreted as a disease-causing mutation.

Labcorp Genetics (formerly Invitae), Labcorp
Classification: Pathogenic for Hereditary nonpolyposis colorectal neoplasms. Last evaluated: 2019-03-13. Review status: criteria provided, single submitter. Criteria: Invitae Variant Classification Sherloc (09022015). Collection method: clinical testing. Allele origin: germline.
Comment: This sequence change creates a premature translational stop signal (p.Lys997Asnfs*23) in the MSH6 gene. It is expected to result in an absent or disrupted protein product. Loss-of-function variants in MSH6 are known to be pathogenic (PMID: 18269114, 24362816). For these reasons, this variant has been classified as Pathogenic. This variant has not been reported in the literature in individuals with MSH6-related disease. ClinVar contains an entry for this variant (Variation ID: 410418). This variant is not present in population databases (ExAC no frequency).

Literature cited by the submitters: PubMed 18269114 (cited by Labcorp Genetics (formerly Invitae), Labcorp); PubMed 24362816 (cited by Labcorp Genetics (formerly Invitae), Labcorp).